The following is an entry in ClinVar:

NM_000330.4(RS1):c.607C>A (p.Pro203Thr)

Genes: CDKL5 (cyclin dependent kinase like 5; plus strand), RS1 (retinoschisin 1; minus strand). Cytogenetic location: Xp22.13.
Variant type: single nucleotide variant.
Coding change: c.607C>A on transcript NM_000330.4 (MANE Select); coding-DNA position 607, C replaced by A.
Protein change: p.Pro203Thr; replaces proline 203 with threonine.
Molecular consequence: missense variant. On other transcripts: intron variant (2).
Genome position (GRCh38, 1-based): chrX:18,642,072, G>T on the plus strand (C>A on the coding strand, the complement: RS1 is on the minus strand). VCF-style: chrX-18642072-G-T. GRCh37 (hg19) VCF-style: chrX-18660192-G-T.
Other names: c.2714-3935G>T (NM_003159.3, NM_001037343.2); short protein forms P203T.
Identifiers: ClinVar variation 850316 (VCV000850316.10), dbSNP rs1927600619, ClinGen allele CA412370277.

ClinVar aggregate classification (germline): Pathogenic (1 of 4 stars; one submission).

Submission:

Labcorp Genetics (formerly Invitae), Labcorp
Classification: Pathogenic. Last evaluated: 2022-01-07. Review status: criteria provided, single submitter. Criteria: Invitae Variant Classification Sherloc (09022015). Collection method: clinical testing. Allele origin: germline.
Comment: For these reasons, this variant has been classified as Pathogenic. This variant disrupts the p.Pro203 amino acid residue in RS1. Other variant(s) that disrupt this residue have been determined to be pathogenic (PMID: 2635628, 9618178, 30652005). This suggests that this residue is clinically significant, and that variants that disrupt this residue are likely to be disease-causing. Advanced modeling of protein sequence and biophysical properties (such as structural, functional, and spatial information, amino acid conservation, physicochemical variation, residue mobility, and thermodynamic stability) performed at Invitae indicates that this missense variant is expected to disrupt RS1 protein function. ClinVar contains an entry for this variant (Variation ID: 850316). This missense change has been observed in individual(s) with X-linked retinoschisis (Invitae). This variant is not present in population databases (gnomAD no frequency). This sequence change replaces proline, which is neutral and non-polar, with threonine, which is neutral and polar, at codon 203 of the RS1 protein (p.Pro203Thr).

Literature cited by the submitters: PubMed 2635628; PubMed 9618178; PubMed 30652005.